The following is an entry in ClinVar:

NM_052947.4(ALPK2):c.1561G>A (p.Gly521Arg)

Gene: ALPK2 (alpha kinase 2; minus strand). Cytogenetic location: 18q21.31.
Variant type: single nucleotide variant.
Coding change: c.1561G>A on transcript NM_052947.4 (MANE Select); coding-DNA position 1561, G replaced by A.
Protein change: p.Gly521Arg; replaces glycine 521 with arginine.
Molecular consequence: missense variant.
Genome position (GRCh38, 1-based): chr18:58,579,215, C>T on the plus strand (G>A on the coding strand, the complement: ALPK2 is on the minus strand). VCF-style: chr18-58579215-C-T. GRCh37 (hg19) VCF-style: chr18-56246447-C-T.
Other names: short protein forms G521R.
Identifiers: ClinVar variation 1775274 (VCV001775274.3), dbSNP rs758713621, ClinGen allele CA8977226.

ClinVar aggregate classification (germline): Uncertain significance (1 of 4 stars; one submission).

gnomAD v4.1: 2 of 1,613,988 alleles (0.00012%); highest among the groups gnomAD compares: Admixed American, 0.0017%; no homozygotes.

Submission:

Ambry Genetics
Classification: Uncertain significance. Last evaluated: 2023-08-30. Review status: criteria provided, single submitter. Criteria: Ambry Variant Classification Scheme 2023. Collection method: clinical testing. Allele origin: germline.
Comment: The p.G521R variant (also known as c.1561G>A), located in coding exon 3 of the ALPK2 gene, results from a G to A substitution at nucleotide position 1561. The glycine at codon 521 is replaced by arginine, an amino acid with dissimilar properties. This amino acid position is conserved. In addition, this alteration is predicted to be tolerated by in silico analysis. Since supporting evidence is limited at this time, the clinical significance of this alteration remains unclear.